The following is an entry in ClinVar:

NM_001370259.2(MEN1):c.426C>T (p.Ser142=)

Gene: MEN1 (menin 1; minus strand). Cytogenetic location: 11q13.1.
Variant type: single nucleotide variant.
Coding change: c.426C>T on transcript NM_001370259.2 (MANE Select); coding-DNA position 426, C replaced by T.
Protein change: p.Ser142=; no amino-acid change (serine 142 retained).
Molecular consequence: synonymous variant.
Genome position (GRCh38, 1-based): chr11:64,809,684, G>A on the plus strand (C>T on the coding strand, the complement: MEN1 is on the minus strand). VCF-style: chr11-64809684-G-A. GRCh37 (hg19) VCF-style: chr11-64577156-G-A.
Other names: c.426C>T, p.Ser142= (NM_000244.4, NM_001370251.2, NM_001370260.2 and 9 more transcripts).
Identifiers: ClinVar variation 412554 (VCV000412554.15), dbSNP rs753252650, ClinGen allele CA061134.

ClinVar aggregate classification (germline): Benign/Likely benign. Review status: criteria provided, multiple submitters, no conflicts (2 of 4 stars). 4 submissions from 4 submitters: Benign (1); Likely benign (3). Last evaluated 2025-12-12.

Conditions:
Hereditary cancer-predisposing syndrome. Also called: Hereditary neoplastic syndrome; Neoplastic Syndromes, Hereditary; Tumor predisposition; Hereditary Cancer Syndrome. Identifiers: Orphanet 140162, MedGen C0027672, MeSH D009386, MONDO:0015356.
Multiple endocrine neoplasia, type 1 (MEN1). Also called: MEA I; MEN I; WERMER SYNDROME; Endocrine adenomatosis multiple; MEN 1. Identifiers: Orphanet 652, MedGen C0025267, MeSH D018761, MONDO:0007540, OMIM 131100.

Allele frequency attached by ClinVar (database versions not stated): ExAC 0.00002; gnomAD exomes 0.00002.
gnomAD v4.1: 4 of 1,614,130 alleles (0.00025%); highest among the groups gnomAD compares: Admixed American, 0.0067%; no homozygotes.

Submissions (4):

Labcorp Genetics (formerly Invitae), Labcorp
Classification: Likely benign for Multiple endocrine neoplasia, type 1. Last evaluated: 2025-12-12. Review status: criteria provided, single submitter. Criteria: Invitae Variant Classification Sherloc (09022015). Collection method: clinical testing. Allele origin: germline.

Color Diagnostics, LLC DBA Color Health
Classification: Likely benign for Multiple endocrine neoplasia, type 1. Last evaluated: 2025-09-05. Review status: criteria provided, single submitter. Criteria: ACMG Guidelines, 2015. Collection method: clinical testing. Allele origin: germline.

Myriad Genetics, Inc.
Classification: Benign for Multiple endocrine neoplasia, type 1. Last evaluated: 2024-11-01. Review status: criteria provided, single submitter. Criteria: Myriad Autosomal Dominant, Autosomal Recessive and X-Linked Classification Criteria (2023). Collection method: clinical testing. Allele origin: unknown.
Comment: This variant is considered benign. This variant is a silent/synonymous amino acid change and it is not expected to impact splicing.

Ambry Genetics
Classification: Likely benign for Hereditary cancer-predisposing syndrome. Last evaluated: 2020-08-13. Review status: criteria provided, single submitter. Criteria: Ambry Variant Classification Scheme 2023. Collection method: clinical testing. Allele origin: germline.